The following is an entry in ClinVar:

NM_003247.5(THBS2):c.2229C>T (p.Asp743=)

Genes: THBS2 (thrombospondin 2; minus strand), THBS2-AS1 (THBS2 antisense RNA 1; plus strand). Cytogenetic location: 6q27.
Variant type: single nucleotide variant.
Coding change: c.2229C>T on transcript NM_003247.5 (MANE Select); coding-DNA position 2229, C replaced by T.
Protein change: p.Asp743=; no amino-acid change (aspartic acid 743 retained).
Molecular consequence: synonymous variant. On other transcripts: non-coding transcript variant (2).
Genome position (GRCh38, 1-based): chr6:169,229,602, G>A on the plus strand (C>T on the coding strand, the complement: THBS2 is on the minus strand). VCF-style: chr6-169229602-G-A. GRCh37 (hg19) VCF-style: chr6-169629697-G-A.
Other names: c.2055C>T, p.Asp685= (NM_001381939.1); c.1998C>T, p.Asp666= (NM_001381942.1).
Identifiers: ClinVar variation 3043551 (VCV003043551.2), dbSNP rs148360643, ClinGen allele CA4103058.

ClinVar aggregate classification (germline): Likely benign (0 of 4 stars; one submission).

Conditions:
THBS2-related disorder. Also called: THBS2-related condition.

Allele frequency attached by ClinVar (database versions not stated): ExAC 0.00002; TOPMed 0.00002; gnomAD 0.00003; gnomAD exomes 0.00004; 1000 Genomes Project 30x 0.00016; 1000 Genomes Project 0.00020; ESP Exome Variant Server 0.00023.
gnomAD v4.1: 66 of 1,614,016 alleles (0.0041%); highest among the groups gnomAD compares: Middle Eastern, 0.066%; 1 homozygote.

Submission:

PreventionGenetics, part of Exact Sciences
Classification: Likely benign for THBS2-related condition. Last evaluated: 2019-07-01. Review status: no assertion criteria provided. Collection method: clinical testing. Allele origin: germline.
Comment: This variant is classified as likely benign based on ACMG/AMP sequence variant interpretation guidelines (Richards et al. 2015 PMID: 25741868, with internal and published modifications).